The following is an entry in ClinVar:

ClinVar aggregate classification (germline): Uncertain significance. Review status: criteria provided, multiple submitters, no conflicts (2 of 4 stars). 3 submissions from 3 submitters: Uncertain significance (3). Last evaluated 2024-03-19.

Allele frequency attached by ClinVar (database versions not stated): gnomAD exomes 0.00001; ExAC 0.00002; gnomAD 0.00002; TOPMed 0.00002; 1000 Genomes Project 30x 0.00016; 1000 Genomes Project 0.00020.

Submissions (3):

Ambry Genetics
Classification: Uncertain significance. Last evaluated: 2024-03-19. Review status: criteria provided, single submitter. Criteria: Ambry Variant Classification Scheme 2023. Collection method: clinical testing. Allele origin: germline.

Labcorp Genetics (formerly Invitae), Labcorp
Classification: Uncertain significance. Last evaluated: 2024-02-24. Review status: criteria provided, single submitter. Criteria: Invitae Variant Classification Sherloc (09022015). Collection method: clinical testing. Allele origin: germline.
Comment: This sequence change replaces glutamic acid, which is acidic and polar, with lysine, which is basic and polar, at codon 206 of the UNC119 protein (p.Glu206Lys). This variant is present in population databases (rs199639417, gnomAD 0.007%). This variant has not been reported in the literature in individuals affected with UNC119-related conditions. ClinVar contains an entry for this variant (Variation ID: 1950920). An algorithm developed to predict the effect of missense changes on protein structure and function (PolyPhen-2) suggests that this variant is likely to be tolerated. In summary, the available evidence is currently insufficient to determine the role of this variant in disease. Therefore, it has been classified as a Variant of Uncertain Significance.

Blueprint Genetics
Classification: Uncertain significance. Last evaluated: 2021-03-10. Review status: criteria provided, single submitter. Criteria: ACMG Guidelines, 2015. Collection method: clinical testing. Allele origin: germline.

NM_005148.4(UNC119):c.616G>A (p.Glu206Lys)

Gene: UNC119 (unc-119 lipid binding chaperone; minus strand). Cytogenetic location: 17q11.2.
Variant type: single nucleotide variant.
Coding change: c.616G>A on transcript NM_005148.4 (MANE Select); coding-DNA position 616, G replaced by A.
Protein change: p.Glu206Lys; replaces glutamic acid 206 with lysine.
Molecular consequence: missense variant. On other transcripts: 3 prime UTR variant (1).
Genome position (GRCh38, 1-based): chr17:28,547,404, C>T on the plus strand (G>A on the coding strand, the complement: UNC119 is on the minus strand). VCF-style: chr17-28547404-C-T. GRCh37 (hg19) VCF-style: chr17-26874422-C-T.
Other names: c.331G>A, p.Glu111Lys (NM_001330166.2); c.*220G>A (NM_054035.2); short protein forms E111K, E206K.
Identifiers: ClinVar variation 1950920 (VCV001950920.7), dbSNP rs199639417, ClinGen allele CA8459711.